The following is an entry in ClinVar:

NM_000155.4(GALT):c.851C>A (p.Thr284Asn)

Gene: GALT (galactose-1-phosphate uridylyltransferase; plus strand). Cytogenetic location: 9p13.3.
Variant type: single nucleotide variant.
Coding change: c.851C>A on transcript NM_000155.4 (MANE Select); coding-DNA position 851, C replaced by A.
Protein change: p.Thr284Asn; replaces threonine 284 with asparagine.
Molecular consequence: missense variant.
Genome position (GRCh38, 1-based): chr9:34,649,028, C>A. VCF-style: chr9-34649028-C-A. GRCh37 (hg19) VCF-style: chr9-34649025-C-A.
Other names: c.524C>A, p.Thr175Asn (NM_001258332.2); short protein forms T284N, T175N.
Identifiers: ClinVar variation 495682 (VCV000495682.2), dbSNP rs753364304, ClinGen allele CA5036235.

ClinVar aggregate classification (germline): Uncertain significance. Review status: criteria provided, single submitter (1 of 4 stars). 2 submissions from 2 submitters: Uncertain significance (1). 1 of the submissions does not count toward it. Last evaluated 2016-05-26.

Conditions:
Galactosemia. Also called: Galactose intolerance. Identifiers: Orphanet 352, MedGen C0016952, MONDO:0018116, HP:0004919. Disease mechanism: loss of function.

Allele frequency attached by ClinVar (database versions not stated): gnomAD exomes below 0.00001 and 0.00001; ExAC 0.00001; gnomAD 0.00001; TOPMed 0.00001.

Submissions (2):

Women's Health and Genetics/Laboratory Corporation of America, LabCorp
Classification: Uncertain significance. Last evaluated: 2016-05-26. Review status: criteria provided, single submitter. Criteria: LabCorp Variant Classification Summary - May 2015. Collection method: clinical testing. Allele origin: germline.
Comment: Variant summary: The GALT c.851C>A (p.Thr284Asn) variant involves the alteration of a mildy conserved nucleotide. 4/4 in silico tools predict a damaging outcome for this variant (SNPs&GO not captured due to low reliability index). This variant was found in 1/121406 control chromosomes at a frequency of 0.0000082, which does not exceed the estimated maximal expected allele frequency of a pathogenic GALT variant (0.0028868). The variant of interest has not, to our knowledge, been reported in affected individuals via publications and/or reputable databases/clinical diagnostic laboratories; nor evaluated for functional impact by in vivo/vitro studies. Because of the absence of published peer-reviewed clinical information and functional studies, the variant was classified as a variant of uncertain significance (VUS) until additional information becomes available.

Natera, Inc.
Classification: Uncertain significance for Galactosemia. Last evaluated: 2020-01-24. Review status: no assertion criteria provided. Collection method: clinical testing. Allele origin: germline. Not counted in ClinVar's aggregate classification.